The following is an entry in ClinVar:

NM_005334.3(HCFC1):c.1480G>C (p.Ala494Pro)

Gene: HCFC1 (host cell factor C1; minus strand). Cytogenetic location: Xq28.
Variant type: single nucleotide variant.
Coding change: c.1480G>C on transcript NM_005334.3 (MANE Select); coding-DNA position 1480, G replaced by C.
Protein change: p.Ala494Pro; replaces alanine 494 with proline.
Molecular consequence: missense variant.
Genome position (GRCh38, 1-based): chrX:153,959,456, C>G on the plus strand (G>C on the coding strand, the complement: HCFC1 is on the minus strand). VCF-style: chrX-153959456-C-G. GRCh37 (hg19) VCF-style: chrX-153224907-C-G.
Other names: c.1480G>C, p.Ala494Pro (NM_001410705.1); short protein forms A494P.
Identifiers: ClinVar variation 3359456 (VCV003359456.2).

ClinVar aggregate classification (germline): Uncertain significance (1 of 4 stars; one submission).

gnomAD v4.1: 1 of 1,211,537 alleles (0.000083%); highest among the groups gnomAD compares: African/African-American, 0.0017%; no homozygotes.

Submission:

GeneDx
Classification: Uncertain significance. Last evaluated: 2026-09-24. Review status: criteria provided, single submitter. Criteria: GeneDx Variant Classification Process June 2021. Collection method: clinical testing. Allele origin: germline.
Comment: Not observed at significant frequency in large population cohorts (gnomAD); In silico analysis suggests that this missense variant does not alter protein structure/function; Has not been previously published as pathogenic or benign to our knowledge